The following is an entry in ClinVar:

ClinVar aggregate classification (germline): Pathogenic (1 of 4 stars; one submission).

Conditions:
Primary ciliary dyskinesia. Also called: Ciliary dyskinesia. Identifiers: Orphanet 244, MedGen C0008780, MONDO:0016575, HP:0012265.

Submission:

Labcorp Genetics (formerly Invitae), Labcorp
Classification: Pathogenic for Primary ciliary dyskinesia. Last evaluated: 2025-06-03. Review status: criteria provided, single submitter. Criteria: Invitae Variant Classification Sherloc (09022015). Collection method: clinical testing. Allele origin: germline.
Comment: This sequence change creates a premature translational stop signal (p.Met358Serfs*12) in the DNAI1 gene. It is expected to result in an absent or disrupted protein product. Loss-of-function variants in DNAI1 are known to be pathogenic (PMID: 16858015, 29363216). This variant is present in population databases (rs762611736, gnomAD 0.0009%). This variant has not been reported in the literature in individuals affected with DNAI1-related conditions. ClinVar contains an entry for this variant (Variation ID: 2713244). For these reasons, this variant has been classified as Pathogenic.

Literature cited by the submitters: PubMed 16858015; PubMed 29363216.

NM_012144.4(DNAI1):c.1073_1076del (p.Met358fs)

Gene: DNAI1 (dynein axonemal intermediate chain 1; plus strand). Cytogenetic location: 9p13.3.
Variant type: Deletion.
Coding change: c.1073_1076del on transcript NM_012144.4 (MANE Select); coding-DNA positions 1073 to 1076, 4 bases deleted (TGAA; older notation c.1073_1076delTGAA).
Protein change: p.Met358fs; shifts the reading frame from methionine 358.
Molecular consequence: frameshift variant.
Genome position (GRCh38, 1-based): chr9:34,506,636-34,506,639, TGAA deleted; deleting any 4 consecutive bases within chr9:34,506,635-34,506,639 gives the same sequence; the c. name uses the placement nearest the transcript's 3' end. VCF-style (leftmost placement, unchanged base first): chr9-34506634-CATGA-C. GRCh37 (hg19) VCF-style: chr9-34506632-CATGA-C.
Other names: c.1085_1088del, p.Met362fs (NM_001281428.2); short protein forms M362fs, M358fs.
Identifiers: ClinVar variation 2713244 (VCV002713244.3), dbSNP rs762611736, ClinGen allele CA5034289.